The following is an entry in ClinVar:

ClinVar aggregate classification (germline): Uncertain significance (1 of 4 stars; one submission).

Conditions:
Rhabdoid tumor predisposition syndrome 2 (RTPS2). Identifiers: Orphanet 231108, Orphanet 69077, MedGen C2750074, MONDO:0013224, OMIM 613325.

Allele frequency attached by ClinVar (database versions not stated): gnomAD exomes below 0.00001.
gnomAD v4.1: 1 of 1,609,126 alleles (0.000062%); highest among the groups gnomAD compares: Non-Finnish European, 0.000085%; no homozygotes.

Submission:

Labcorp Genetics (formerly Invitae), Labcorp
Classification: Uncertain significance for Rhabdoid tumor predisposition syndrome 2. Last evaluated: 2024-04-22. Review status: criteria provided, single submitter. Criteria: Invitae Variant Classification Sherloc (09022015). Collection method: clinical testing. Allele origin: germline.
Comment: This sequence change replaces leucine, which is neutral and non-polar, with phenylalanine, which is neutral and non-polar, at codon 1343 of the SMARCA4 protein (p.Leu1343Phe). This variant is not present in population databases (gnomAD no frequency). This variant has not been reported in the literature in individuals affected with SMARCA4-related conditions. ClinVar contains an entry for this variant (Variation ID: 1506572). Advanced modeling of protein sequence and biophysical properties (such as structural, functional, and spatial information, amino acid conservation, physicochemical variation, residue mobility, and thermodynamic stability) performed at Invitae indicates that this missense variant is expected to disrupt SMARCA4 protein function with a positive predictive value of 95%. In summary, the available evidence is currently insufficient to determine the role of this variant in disease. Therefore, it has been classified as a Variant of Uncertain Significance.

NM_003072.5(SMARCA4):c.4027C>T (p.Leu1343Phe)

Gene: SMARCA4 (SWI/SNF related BAF chromatin remodeling complex subunit ATPase 4; plus strand). Cytogenetic location: 19p13.2.
Variant type: single nucleotide variant.
Coding change: c.4027C>T on transcript NM_003072.5 (MANE Select); coding-DNA position 4027, C replaced by T.
Protein change: p.Leu1343Phe; replaces leucine 1343 with phenylalanine.
Molecular consequence: missense variant. On other transcripts: non-coding transcript variant (1).
Genome position (GRCh38, 1-based): chr19:11,034,989, C>T. VCF-style: chr19-11034989-C-T. GRCh37 (hg19) VCF-style: chr19-11145665-C-T.
Other names: c.4027C>T, p.Leu1343Phe (NM_001128844.3, NM_001128849.3, NM_001387283.1); c.3928C>T, p.Leu1310Phe (NM_001128845.2, NM_001128846.2, NM_001128847.4 and 2 more transcripts); short protein forms L1310F, L1343F.
Identifiers: ClinVar variation 1506572 (VCV001506572.6), dbSNP rs1394867973, ClinGen allele CA404068151.
Genomic context (GRCh38, chr19:11,034,989, plus strand): 5'-CGCAGGCGCGAGGAGGCCCGCAACCCCAAGCGGAAGCCGCGCCTCATGGAGGAGGACGAG[C>T]TCCCCTCGTGGATCATCAAGGACGACGCGGAGGTGGAGCGGCTGACCTGTGAGGAGGAGG-3'
Protein context (NP_003063.2, residues 1333-1353): RKPRLMEEDE[Leu1343Phe]PSWIIKDDAE